The following is an entry in ClinVar:

NM_000179.3(MSH6):c.805A>G (p.Thr269Ala)

Gene: MSH6 (mutS homolog 6; plus strand). Cytogenetic location: 2p16.3.
Variant type: single nucleotide variant.
Coding change: c.805A>G on transcript NM_000179.3 (MANE Select); coding-DNA position 805, A replaced by G.
Protein change: p.Thr269Ala; replaces threonine 269 with alanine.
Molecular consequence: missense variant. On other transcripts: 5 prime UTR variant (2).
Genome position (GRCh38, 1-based): chr2:47,798,788, A>G. VCF-style: chr2-47798788-A-G. GRCh37 (hg19) VCF-style: chr2-48025927-A-G.
Other names: c.415A>G, p.Thr139Ala (NM_001281492.2); c.-102A>G (NM_001281493.2, NM_001281494.2); c.805A>G (NM_000179.2); short protein forms T139A, T269A.
Identifiers: ClinVar variation 1399116 (VCV001399116.8), dbSNP rs1553412223, ClinGen allele CA346740353.

ClinVar aggregate classification (germline): Conflicting classifications of pathogenicity. Review status: criteria provided, conflicting classifications (1 of 4 stars). 2 submissions from 2 submitters: Uncertain significance (1); Likely benign (1). Last evaluated 2026-07-10.

Conditions:
Hereditary nonpolyposis colorectal neoplasms. Identifiers: MedGen C0009405, MeSH D003123.
Hereditary cancer-predisposing syndrome. Also called: Hereditary Cancer Syndrome; Neoplastic Syndromes, Hereditary; Hereditary neoplastic syndrome; Tumor predisposition. Identifiers: Orphanet 140162, MedGen C0027672, MeSH D009386, MONDO:0015356.

Submissions (2):

Ambry Genetics
Classification: Likely benign for Hereditary cancer-predisposing syndrome. Last evaluated: 2026-07-10. Review status: criteria provided, single submitter. Criteria: Ambry Variant Classification Scheme 2023. Collection method: clinical testing. Allele origin: germline.

Labcorp Genetics (formerly Invitae), Labcorp
Classification: Uncertain significance for Hereditary nonpolyposis colorectal neoplasms. Last evaluated: 2025-03-30. Review status: criteria provided, single submitter. Criteria: Invitae Variant Classification Sherloc (09022015). Collection method: clinical testing. Allele origin: germline.
Comment: This sequence change replaces threonine, which is neutral and polar, with alanine, which is neutral and non-polar, at codon 269 of the MSH6 protein (p.Thr269Ala). This variant is not present in population databases (gnomAD no frequency). This missense change has been observed in individual(s) with breast cancer (PMID: 35449176). ClinVar contains an entry for this variant (Variation ID: 1399116). Invitae Evidence Modeling of protein sequence and biophysical properties (such as structural, functional, and spatial information, amino acid conservation, physicochemical variation, residue mobility, and thermodynamic stability) indicates that this missense variant is not expected to disrupt MSH6 protein function with a negative predictive value of 95%. In summary, the available evidence is currently insufficient to determine the role of this variant in disease. Therefore, it has been classified as a Variant of Uncertain Significance.

Literature cited by the submitters: PubMed 35449176 (cited by Labcorp Genetics (formerly Invitae), Labcorp).